The following is an entry in ClinVar:

NM_001276345.2(TNNT2):c.784G>T (p.Glu262Ter)

Gene: TNNT2 (troponin T2, cardiac type; minus strand). Cytogenetic location: 1q32.1.
Variant type: single nucleotide variant.
Coding change: c.784G>T on transcript NM_001276345.2 (MANE Select); coding-DNA position 784, G replaced by T.
Protein change: p.Glu262Ter; replaces glutamic acid 262 with a stop codon.
Molecular consequence: nonsense.
Genome position (GRCh38, 1-based): chr1:201,361,305, C>A on the plus strand (G>T on the coding strand, the complement: TNNT2 is on the minus strand). VCF-style: chr1-201361305-C-A. GRCh37 (hg19) VCF-style: chr1-201330433-C-A.
Other names: c.775G>T, p.Glu259Ter (NM_000364.4, NM_001406723.1); c.754G>T, p.Glu252Ter (NM_001001430.3, NM_001276347.2, NM_001406724.1); c.745G>T, p.Glu249Ter (NM_001001431.3, NM_001406726.1, NM_001406727.1); c.736G>T, p.Glu246Ter (NM_001001432.3); c.655G>T, p.Glu219Ter (NM_001276346.2); c.751G>T, p.Glu251Ter (NM_001406725.1); c.739G>T, p.Glu247Ter (NM_001406728.1); short protein forms E246*, E249*, E252*, E247*, E251*, E259*, E219*, E262*.
Identifiers: ClinVar variation 4794294 (VCV004794294.1).

ClinVar aggregate classification (germline): Uncertain significance (1 of 4 stars; one submission).

Conditions:
Hypertrophic cardiomyopathy 2. Also called: TNNT2-Related Familial Hypertrophic Cardiomyopathy. Identifiers: MedGen C1861864, MONDO:0007266, OMIM 115195.
Dilated cardiomyopathy 1D. Identifiers: Orphanet 154, Orphanet 54260, MedGen C1832243, MONDO:0011095, OMIM 601494.
Cardiomyopathy, familial restrictive, 3. Identifiers: Orphanet 75249, MedGen C2676271, MONDO:0012900, OMIM 612422.

Submission:

Labcorp Genetics (formerly Invitae), Labcorp
Classification: Uncertain significance for Cardiomyopathy, familial restrictive, 3; Hypertrophic cardiomyopathy 2; Dilated cardiomyopathy 1D. Last evaluated: 2025-05-14. Review status: criteria provided, single submitter. Criteria: Invitae Variant Classification Sherloc (09022015). Collection method: clinical testing. Allele origin: germline.
Comment: This sequence change creates a premature translational stop signal (p.Glu252*) in the TNNT2 gene. It is expected to result in an absent or disrupted protein product. However, the current clinical and genetic evidence is not sufficient to establish whether loss-of-function variants in TNNT2 cause disease. This variant is not present in population databases (gnomAD no frequency). This variant has not been reported in the literature in individuals affected with TNNT2-related conditions. In summary, the available evidence is currently insufficient to determine the role of this variant in disease. Therefore, it has been classified as a Variant of Uncertain Significance.